The following is an entry in ClinVar:

ClinVar aggregate classification (germline): Conflicting classifications of pathogenicity. Review status: criteria provided, conflicting classifications (1 of 4 stars). 5 submissions from 5 submitters: Uncertain significance (4); Likely benign (1). Last evaluated 2025-10-07.

Conditions:
Isolated focal cortical dysplasia type II (FCORD2). Also called: CORTICAL DYSPLASIA OF TAYLOR; Focal cortical dysplasia type II. Identifiers: Orphanet 268994, MedGen C1846385, MONDO:0011818, OMIM 607341, HP:0032051.
Tuberous sclerosis 2 (TSC2). Identifiers: Orphanet 805, MedGen C1860707, MONDO:0013199, OMIM 613254.
Tuberous sclerosis syndrome (TSC). Also called: Tuberous Sclerosis Complex; Tuberous sclerosis. Identifiers: Orphanet 805, MedGen C0041341, MONDO:0001734.
Hereditary cancer-predisposing syndrome. Also called: Hereditary neoplastic syndrome; Neoplastic Syndromes, Hereditary; Tumor predisposition; Hereditary Cancer Syndrome. Identifiers: Orphanet 140162, MedGen C0027672, MeSH D009386, MONDO:0015356.

Allele frequency attached by ClinVar (database versions not stated): gnomAD exomes below 0.00001; TOPMed below 0.00001.
gnomAD v4.1: 1 of 1,608,426 alleles (0.000062%); highest among the groups gnomAD compares: Non-Finnish European, 0.000085%; no homozygotes.

Submissions (5):

Labcorp Genetics (formerly Invitae), Labcorp
Classification: Likely benign for Tuberous sclerosis 2. Last evaluated: 2025-10-07. Review status: criteria provided, single submitter. Criteria: Invitae Variant Classification Sherloc (09022015). Collection method: clinical testing. Allele origin: germline.

Ambry Genetics
Classification: Uncertain significance for Hereditary cancer-predisposing syndrome. Last evaluated: 2025-01-30. Review status: criteria provided, single submitter. Criteria: Ambry Variant Classification Scheme 2023. Collection method: clinical testing. Allele origin: germline.
Comment: The p.V319M variant (also known as c.955G>A), located in coding exon 9 of the TSC2 gene, results from a G to A substitution at nucleotide position 955. The valine at codon 319 is replaced by methionine, an amino acid with highly similar properties. This amino acid position is highly conserved in available vertebrate species. In addition, this alteration is predicted to be deleterious by in silico analysis. Based on the available evidence, the clinical significance of this variant remains unclear.

GeneDx
Classification: Uncertain significance. Last evaluated: 2024-03-04. Review status: criteria provided, single submitter. Criteria: GeneDx Variant Classification Process June 2021. Collection method: clinical testing. Allele origin: germline. Affected: yes.
Comment: In silico analysis supports that this missense variant has a deleterious effect on protein structure/function; Has not been previously published as pathogenic or benign to our knowledge; This variant is associated with the following publications: (PMID: 18466115)

Baylor Genetics
Classification: Uncertain significance for Isolated focal cortical dysplasia type II. Last evaluated: 2024-02-13. Review status: criteria provided, single submitter. Criteria: ACMG Guidelines, 2015. Collection method: clinical testing. Allele origin: unknown.

All of Us Research Program, National Institutes of Health
Classification: Uncertain significance for Tuberous sclerosis syndrome. Last evaluated: 2023-12-13. Review status: criteria provided, single submitter. Criteria: ACMG Guidelines, 2015. Collection method: clinical testing. Allele origin: germline. Inheritance: Autosomal dominant inheritance. Observed: 3 variant alleles, 3 heterozygotes.
Comment: This missense variant replaces valine with methionine at codon 319 of the TSC2 protein. Computational prediction is inconclusive regarding the impact of this variant on protein structure and function (internally defined REVEL score threshold 0.5 < inconclusive < 0.7, PMID: 27666373). To our knowledge, functional studies have not been reported for this variant. This variant has not been reported in individuals affected with TSC2-related disorders in the literature. This variant has been identified in 1/240596 chromosomes in the general population by the Genome Aggregation Database (gnomAD). The available evidence is insufficient to determine the role of this variant in disease conclusively. Therefore, this variant is classified as a Variant of Uncertain Significance.

This study involves interpretation of variants in research participants for the purpose of population health screening. Participant phenotype was not available at the time of variant classification. Additional details can be found in publication PMID: 35346344, PMCID: PMC8962531

NM_000548.5(TSC2):c.955G>A (p.Val319Met)

Gene: TSC2 (TSC complex subunit 2; plus strand). Cytogenetic location: 16p13.3.
Variant type: single nucleotide variant.
Coding change: c.955G>A on transcript NM_000548.5 (MANE Select); coding-DNA position 955, G replaced by A.
Protein change: p.Val319Met; replaces valine 319 with methionine.
Molecular consequence: missense variant.
Genome position (GRCh38, 1-based): chr16:2,058,853, G>A. VCF-style: chr16-2058853-G-A. GRCh37 (hg19) VCF-style: chr16-2108854-G-A.
Other names: c.955G>A, p.Val319Met (NM_001077183.3, NM_001114382.3, NM_001363528.2 and 3 more transcripts); c.844G>A, p.Val282Met (NM_001318827.2); c.808G>A, p.Val270Met (NM_001318829.2); c.355G>A, p.Val119Met (NM_001318831.2); c.988G>A, p.Val330Met (NM_001318832.2); short protein forms V319M, V119M, V330M, V270M, V282M.
Identifiers: ClinVar variation 468193 (VCV000468193.18), dbSNP rs1432086775, ClinGen allele CA394315689.
Genomic context (GRCh38, chr16:2,058,853, plus strand): 5'-GTGGGCATGGCTCTCTGGGGAGCCCACCGGCTCTATTCTCTCAGGAACTCGCCGACATCT[G>A]TGTTGCCATCATTTTACCAGGTAAGGCGGTTTCTGTGTGCAGTGAGCTGGCAGGAACGGG-3'
Protein context (NP_000539.2, residues 309-329): LYSLRNSPTS[Val319Met]LPSFYQAMAC